The following is an entry in ClinVar:

ClinVar aggregate classification (germline): Benign/Likely benign. Review status: criteria provided, multiple submitters, no conflicts (2 of 4 stars). 11 submissions from 9 submitters: Benign (3); Likely benign (8). Last evaluated 2026-09-17.

Conditions:
Atypical hemolytic-uremic syndrome with C3 anomaly. Also called: AHUS, SUSCEPTIBILITY TO, 5. Identifiers: Orphanet 2134, MedGen C2752037, MONDO:0013043, OMIM 612925.
Complement component 3 deficiency. Identifiers: Orphanet 280133, MedGen C3151071, MONDO:0013417, OMIM 613779.
Age related macular degeneration 9. Identifiers: MedGen C1969651, MONDO:0012659, OMIM 611378.
C3 glomerulonephritis. Also called: C3 GLOMERULOPATHY 3; Nephropathy due to CFHR5 Deficiency. Identifiers: Orphanet 329931, MedGen C4055342, MONDO:0013892, OMIM 614809.
Atypical hemolytic-uremic syndrome. Identifiers: Orphanet 2134, MedGen C2931788, MONDO:0016244.

Allele frequency attached by ClinVar (database versions not stated): gnomAD exomes 0.00024 and 0.00065; ExAC 0.00074; 1000 Genomes Project 0.00200; 1000 Genomes Project 30x 0.00203; gnomAD 0.00228 and 0.00237; TOPMed 0.00274; ESP Exome Variant Server 0.00277.
gnomAD v4.1: 712 of 1,606,570 alleles (0.044%); highest among the groups gnomAD compares: African/African-American, 0.82%; 4 homozygotes.

Submissions (11):

Genomenon, Inc
Classification: Benign for Complement component 3 deficiency; C3 glomerulonephritis; Atypical hemolytic-uremic syndrome. Last evaluated: 2026-09-17. Review status: criteria provided, single submitter. Criteria: Genomenon Sequence Variant Interpretation Standards - Updated. Collection method: curation. Allele origin: germline. Affected: no.
Comment: C3 c.2394C>T is a synonymous variant that retains Serine at codon 798. This variant is present at high allele frequency in population databases. We classify C3 p.Ser798= (c.2394C>T) as a benign variant.

Labcorp Genetics (formerly Invitae), Labcorp
Classification: Benign. Last evaluated: 2026-02-01. Review status: criteria provided, single submitter. Criteria: Invitae Variant Classification Sherloc (09022015). Collection method: clinical testing. Allele origin: germline.

Women's Health and Genetics/Laboratory Corporation of America, LabCorp
Classification: Likely benign. Last evaluated: 2026-01-22. Review status: criteria provided, single submitter. Criteria: LabCorp Variant Classification Summary - May 2015. Collection method: clinical testing. Allele origin: germline.

Blueprint Genetics
Classification: Likely benign. Last evaluated: 2024-11-25. Review status: criteria provided, single submitter. Criteria: ACMG Guidelines, 2015. Collection method: clinical testing. Allele origin: germline.

Mayo Clinic Laboratories, Mayo Clinic
Classification: Benign. Last evaluated: 2024-02-16. Review status: criteria provided, single submitter. Criteria: ACMG Guidelines, 2015. Collection method: clinical testing. Allele origin: germline. Observed: 14 variant alleles.
Comment: BS1, BS2, BP4, BP7

Genetic Services Laboratory, University of Chicago
Classification: Likely benign. Last evaluated: 2021-11-22. Review status: criteria provided, single submitter. Criteria: ACMG Guidelines, 2015. Collection method: clinical testing. Allele origin: germline. Affected: no.

Fulgent Genetics
Classification: Likely benign for Age related macular degeneration 9; Atypical hemolytic-uremic syndrome with C3 anomaly; Complement component 3 deficiency. Last evaluated: 2021-08-11. Review status: criteria provided, single submitter. Criteria: ACMG Guidelines, 2015. Collection method: clinical testing. Allele origin: unknown.

Illumina Laboratory Services, Illumina
Classification: Likely benign for Atypical hemolytic-uremic syndrome with C3 anomaly. Last evaluated: 2017-04-28. Review status: criteria provided, single submitter. Criteria: ICSL Variant Classification Criteria 13 December 2019. Collection method: clinical testing. Allele origin: germline.
Comment: This variant was observed as part of a predisposition screen in an ostensibly healthy population. A literature search was performed for the gene, cDNA change, and amino acid change (where applicable). No publications were found based on this search. Allele frequency data from public databases allowed determination this variant is unlikely to cause disease. Therefore, this variant is classified as likely benign.

Illumina Laboratory Services, Illumina
Classification: Likely benign for Age related macular degeneration 9. Last evaluated: 2017-04-28. Review status: criteria provided, single submitter. Criteria: ICSL Variant Classification Criteria 13 December 2019. Collection method: clinical testing. Allele origin: germline.
Comment: the same text as in the submission from Illumina Laboratory Services, Illumina above.

Illumina Laboratory Services, Illumina
Classification: Likely benign for Complement component 3 deficiency. Last evaluated: 2017-04-28. Review status: criteria provided, single submitter. Criteria: ICSL Variant Classification Criteria 13 December 2019. Collection method: clinical testing. Allele origin: germline.
Comment: This variant was observed as part of a predisposition screen in an ostensibly healthy population. A literature search was performed for the gene, cDNA change, and amino acid change (where applicable). Publications were found based on this search. The evidence from the literature, in combination with allele frequency data from public databases where available, was sufficient to determine this variant is unlikely to cause disease. Therefore, this variant is classified as likely benign.

Breakthrough Genomics
Classification: Likely benign. Review status: criteria provided, single submitter. Criteria: ACMG Guidelines, 2015. Collection method: not provided. Allele origin: germline. Inheritance: Autosomal recessive inheritance. Affected: yes.

Literature cited by the submitters: PubMed 14639503 (cited by Illumina Laboratory Services, Illumina).

NM_000064.4(C3):c.2394C>T (p.Ser798=)

Gene: C3 (complement C3; minus strand). Cytogenetic location: 19p13.3.
Variant type: single nucleotide variant.
Coding change: c.2394C>T on transcript NM_000064.4 (MANE Select); coding-DNA position 2394, C replaced by T.
Protein change: p.Ser798=; no amino-acid change (serine 798 retained).
Molecular consequence: synonymous variant.
Genome position (GRCh38, 1-based): chr19:6,702,173, G>A on the plus strand (C>T on the coding strand, the complement: C3 is on the minus strand). VCF-style: chr19-6702173-G-A. GRCh37 (hg19) VCF-style: chr19-6702184-G-A.
Other names: p.Ser798=; c.2394C>T (LRG_27t1).
Identifiers: ClinVar variation 330307 (VCV000330307.24), dbSNP rs112178657, ClinGen allele CA9129091.
Genomic context (GRCh38, chr19:6,702,173, plus strand): 5'-GCATCCTCTCTCACCTTTCTTGTCCGACATGCTCACAGCCAGAATCTCCCACGTGGTGAT[G>A]GAGTCTTTCAAAAATATATTCATGAGCTTCGTAGAGATTCTGGATGGAGAAGAGGTTGGG-3'
Protein context (NP_000055.2, residues 788-808): TKLMNIFLKD[Ser798=]ITTWEILAVS